The following is an entry in ClinVar:

NM_198859.4(PRICKLE2):c.-68G>A

Gene: PRICKLE2 (prickle planar cell polarity protein 2; minus strand). Cytogenetic location: 3p14.1.
Variant type: single nucleotide variant.
Coding change: c.-68G>A on transcript NM_198859.4 (MANE Select); 68 bases upstream of the start codon, G replaced by A.
Molecular consequence: 5 prime UTR variant. On other transcripts: intron variant (1).
Genome position (GRCh38, 1-based): chr3:64,224,937, C>T on the plus strand (G>A on the coding strand, the complement: PRICKLE2 is on the minus strand). VCF-style: chr3-64224937-C-T. GRCh37 (hg19) VCF-style: chr3-64210613-C-T.
Other names: c.-40-25970G>A (NM_001370528.1).
Identifiers: ClinVar variation 346480 (VCV000346480.6), dbSNP rs150393747, ClinGen allele CA10617325.

ClinVar aggregate classification (germline): Benign. Review status: criteria provided, multiple submitters, no conflicts (2 of 4 stars). 2 submissions from 2 submitters: Benign (2). Last evaluated 2018-01-13.

Conditions:
Progressive myoclonic epilepsy. Also called: Progressive myoclonus epilepsy; Familial progressive myoclonic epilepsy; Myoclonus epilepsy; Myoclonic Epilepsies, Progressive. Identifiers: Orphanet 308, Orphanet 98261, MedGen C0751778, MONDO:0020074.

Allele frequency attached by ClinVar (database versions not stated): 1000 Genomes Project 30x 0.01156; gnomAD 0.01201 and 0.01265; 1000 Genomes Project 0.01218; TOPMed 0.01260; gnomAD exomes 0.01898.
gnomAD v4.1: 17,794 of 985,260 alleles (1.8%); highest among the groups gnomAD compares: South Asian, 3.6%; 175 homozygotes.

Submissions (2):

Illumina Laboratory Services, Illumina
Classification: Benign for Progressive myoclonic epilepsy. Last evaluated: 2018-01-13. Review status: criteria provided, single submitter. Criteria: ICSL Variant Classification Criteria 13 December 2019. Collection method: clinical testing. Allele origin: germline.
Comment: This variant was observed in the ICSL laboratory as part of a predisposition screen in an ostensibly healthy population. It had not been previously curated by ICSL or reported in the Human Gene Mutation Database (HGMD: prior to June 1st, 2018), and was therefore a candidate for classification through an automated scoring system. Utilizing variant allele frequency, disease prevalence and penetrance estimates, and inheritance mode, an automated score was calculated to assess if this variant is too frequent to cause the disease. Based on the score and internal cut-off values, a variant classified as benign is not then subjected to further curation. The score for this variant resulted in a classification of benign for this disease.

Breakthrough Genomics
Classification: Benign. Review status: criteria provided, single submitter. Criteria: ACMG Guidelines, 2015. Collection method: not provided. Allele origin: germline. Inheritance: Unknown mechanism. Affected: yes.